The following is an entry in ClinVar:

ClinVar aggregate classification (germline): Uncertain significance (1 of 4 stars; one submission).

Submission:

Women's Health and Genetics/Laboratory Corporation of America, LabCorp
Classification: Uncertain significance. Last evaluated: 2025-09-23. Review status: criteria provided, single submitter. Criteria: LabCorp Variant Classification Summary - May 2015. Collection method: clinical testing. Allele origin: germline.
Comment: Variant summary: USP9X c.3506C>T (p.Ala1169Val) results in a non-conservative amino acid change in the encoded protein sequence. Algorithms developed to predict the effect of missense changes on protein structure and function are either unavailable or do not agree on the potential impact of this missense change. The variant was absent in 180986 control chromosomes. The available data on variant occurrences in the general population are insufficient to allow any conclusion about variant significance. To our knowledge, no occurrence of c.3506C>T in individuals affected with USP9X-related conditions and no experimental evidence demonstrating its impact on protein function have been reported. No submitters have cited clinical-significance assessments for this variant to ClinVar. Based on the evidence outlined above, the variant was classified as uncertain significance.

NM_001039591.3(USP9X):c.3506C>T (p.Ala1169Val)

Gene: USP9X (ubiquitin specific peptidase 9 X-linked; plus strand). Cytogenetic location: Xp11.4.
Variant type: single nucleotide variant.
Coding change: c.3506C>T on transcript NM_001039591.3 (MANE Select); coding-DNA position 3506, C replaced by T.
Protein change: p.Ala1169Val; replaces alanine 1169 with valine.
Molecular consequence: missense variant.
Genome position (GRCh38, 1-based): chrX:41,184,623, C>T. VCF-style: chrX-41184623-C-T. GRCh37 (hg19) VCF-style: chrX-41043876-C-T.
Other names: c.3506C>T, p.Ala1169Val (NM_001039590.3); c.3521C>T, p.Ala1174Val (NM_001410748.1, NM_001410749.1, NM_001437534.1); short protein forms A1169V, A1174V.
Identifiers: ClinVar variation 4536018 (VCV004536018.1).